The following is an entry in ClinVar:

ClinVar aggregate classification (germline): Uncertain significance (1 of 4 stars; one submission).

Allele frequency attached by ClinVar (database versions not stated): gnomAD 0.00002 and 0.00003; ExAC 0.00003; gnomAD exomes 0.00003 and 0.00004; TOPMed 0.00004.
gnomAD v4.1: 54 of 1,606,516 alleles (0.0034%); highest among the groups gnomAD compares: Middle Eastern, 0.016%; no homozygotes.

Submission:

Labcorp Genetics (formerly Invitae), Labcorp
Classification: Uncertain significance. Last evaluated: 2024-04-11. Review status: criteria provided, single submitter. Criteria: Invitae Variant Classification Sherloc (09022015). Collection method: clinical testing. Allele origin: germline.
Comment: This sequence change replaces proline, which is neutral and non-polar, with serine, which is neutral and polar, at codon 104 of the SAG protein (p.Pro104Ser). The frequency data for this variant in the population databases is considered unreliable, as metrics indicate poor data quality at this position in the gnomAD database. This variant has not been reported in the literature in individuals affected with SAG-related conditions. ClinVar contains an entry for this variant (Variation ID: 1417769). Advanced modeling of protein sequence and biophysical properties (such as structural, functional, and spatial information, amino acid conservation, physicochemical variation, residue mobility, and thermodynamic stability) performed at Invitae indicates that this missense variant is not expected to disrupt SAG protein function with a negative predictive value of 80%. In summary, the available evidence is currently insufficient to determine the role of this variant in disease. Therefore, it has been classified as a Variant of Uncertain Significance.

NM_000541.5(SAG):c.310C>T (p.Pro104Ser)

Gene: SAG (S-antigen visual arrestin; plus strand). Cytogenetic location: 2q37.1.
Variant type: single nucleotide variant.
Coding change: c.310C>T on transcript NM_000541.5 (MANE Select); coding-DNA position 310, C replaced by T.
Protein change: p.Pro104Ser; replaces proline 104 with serine.
Molecular consequence: missense variant.
Genome position (GRCh38, 1-based): chr2:233,320,758, C>T. VCF-style: chr2-233320758-C-T. GRCh37 (hg19) VCF-style: chr2-234229404-C-T.
Other names: short protein forms P104S.
Identifiers: ClinVar variation 1417769 (VCV001417769.8), dbSNP rs773862673, ClinGen allele CA2174331.